The following is an entry in ClinVar:

NM_006421.5(ARFGEF1):c.3203dup (p.Tyr1068Ter)

Gene: ARFGEF1 (ARF guanine nucleotide exchange factor 1; minus strand). Cytogenetic location: 8q13.2.
Variant type: Duplication.
Coding change: c.3203dup on transcript NM_006421.5 (MANE Select); coding-DNA position 3203, one base duplicated (A; older notation c.3203dupA).
Protein change: p.Tyr1068Ter; replaces tyrosine 1068 with a stop codon.
Molecular consequence: nonsense. On other transcripts: non-coding transcript variant (1).
Genome position (GRCh38, 1-based): chr8:67,238,429, T duplicated on the plus strand (A on the coding strand, the reverse complement: ARFGEF1 is on the minus strand). VCF-style (leftmost placement, unchanged base first): chr8-67238428-G-GT. GRCh37 (hg19) VCF-style: chr8-68150663-G-GT.
Other names: c.3203dup, p.Tyr1068Ter (NM_001413184.1, NM_001413185.1, NM_001413186.1 and 6 more transcripts); c.2603dup, p.Tyr868Ter (NM_001413188.1, NM_001413193.1, NM_001413197.1); c.3197dup, p.Tyr1066Ter (NM_001413190.1); c.1778dup, p.Tyr593Ter (NM_001413196.1); short protein forms Y1066*, Y1068*, Y593*, Y868*.
Identifiers: ClinVar variation 3897569 (VCV003897569.1).

ClinVar aggregate classification (germline): Likely pathogenic (1 of 4 stars; one submission).

Conditions:
Developmental delay, impaired speech, and behavioral abnormalities, with or without seizures (DEDISB). Identifiers: MedGen C5575272, MONDO:0859263, OMIM 619964.

Submission:

Genetics Laboratory, UDIAT-Centre Diagnòstic, Hospital Universitari Parc Tauli
Classification: Likely pathogenic for developmental delay, impaired speech, and behavioral abnormalities, with or without seizures. Last evaluated: 2024-06-19. Review status: criteria provided, single submitter. Criteria: ACMG Guidelines, 2015. Collection method: clinical testing. Allele origin: unknown. Inheritance: Autosomal dominant inheritance. Affected: yes.
Comment: PVS1_very strong;PM2_supporting